The following is an entry in ClinVar:

NM_003072.5(SMARCA4):c.4647C>T (p.Asp1549=)

Gene: SMARCA4 (SWI/SNF related BAF chromatin remodeling complex subunit ATPase 4; plus strand). Cytogenetic location: 19p13.2.
Variant type: single nucleotide variant.
Coding change: c.4647C>T on transcript NM_003072.5 (MANE Select); coding-DNA position 4647, C replaced by T.
Protein change: p.Asp1549=; no amino-acid change (aspartic acid 1549 retained).
Molecular consequence: synonymous variant. On other transcripts: non-coding transcript variant (1).
Genome position (GRCh38, 1-based): chr19:11,059,764, C>T. VCF-style: chr19-11059764-C-T. GRCh37 (hg19) VCF-style: chr19-11170440-C-T.
Other names: c.4743C>T (NM_001128849.1); c.4647C>T, p.Asp1549= (NM_001128844.3); c.4557C>T, p.Asp1519= (NM_001128845.2); c.4554C>T, p.Asp1518= (NM_001128846.2); c.4548C>T, p.Asp1516= (NM_001128847.4, NM_001374457.1); c.4545C>T, p.Asp1515= (NM_001128848.2); c.4743C>T, p.Asp1581= (NM_001128849.3, NM_001387283.1); c.4644C>T, p.Asp1548= (NM_001411150.1).
Identifiers: ClinVar variation 2649312 (VCV002649312.25), dbSNP rs1260006751, ClinGen allele CA505495073.

ClinVar aggregate classification (germline): Conflicting classifications of pathogenicity. Review status: criteria provided, conflicting classifications (1 of 4 stars). 4 submissions from 4 submitters: Uncertain significance (1); Likely benign (2). 1 of the submissions does not count toward it. Last evaluated 2025-04-14.

Conditions:
Hereditary cancer-predisposing syndrome. Also called: Neoplastic Syndromes, Hereditary; Tumor predisposition; Hereditary Cancer Syndrome; Hereditary neoplastic syndrome. Identifiers: Orphanet 140162, MedGen C0027672, MeSH D009386, MONDO:0015356.
SMARCA4-related disorder. Also called: SMARCA4-related condition.

Allele frequency attached by ClinVar (database versions not stated): gnomAD exomes below 0.00001.
gnomAD v4.1: 1 of 1,577,468 alleles (0.000063%); no homozygotes.

Submissions (4):

Ambry Genetics
Classification: Likely benign for Hereditary cancer-predisposing syndrome. Last evaluated: 2025-04-14. Review status: criteria provided, single submitter. Criteria: Ambry Variant Classification Scheme 2023. Collection method: clinical testing. Allele origin: germline.

Quest Diagnostics Nichols Institute San Juan Capistrano
Classification: Uncertain significance. Last evaluated: 2024-10-29. Review status: criteria provided, single submitter. Criteria: Quest Diagnostics criteria. Collection method: clinical testing. Allele origin: unknown.
Comment: The SMARCA4 c.4743C>T (p.Asp1581=) synonymous variant has not been reported in individuals with SMARCA4-related conditions in the published literature. The frequency of this variant in the general population, 0.0000053 (1/189070 chromosomes (Genome Aggregation Database)), is uninformative in the assessment of its pathogenicity. Analysis of this variant using software algorithms for the prediction of the effect of nucleotide changes on splicing yielded predictions that this variant does not affect SMARCA4 mRNA splicing. Based on the available information, we are unable to determine the clinical significance of this variant.

CeGaT Center for Human Genetics Tuebingen
Classification: Likely benign. Last evaluated: 2022-12-01. Review status: criteria provided, single submitter. Criteria: CeGaT Center For Human Genetics Tuebingen Variant Classification Criteria Version 2. Collection method: clinical testing. Allele origin: germline. Affected: yes. Observed: 1 variant allele.
Comment: SMARCA4: BP4, BP7

PreventionGenetics, part of Exact Sciences
Classification: Likely benign for SMARCA4-related condition. Last evaluated: 2024-07-11. Review status: no assertion criteria provided. Collection method: clinical testing. Allele origin: germline. Not counted in ClinVar's aggregate classification.
Comment: This variant is classified as likely benign based on ACMG/AMP sequence variant interpretation guidelines (Richards et al. 2015 PMID: 25741868, with internal and published modifications).